The following is an entry in ClinVar:

ClinVar aggregate classification (germline): Uncertain significance (1 of 4 stars; one submission).

Conditions:
46,XY sex reversal 6. Also called: 46,XY SEX REVERSAL, PARTIAL OR COMPLETE, MAP3K1-RELATED; 46,XY GONADAL DYSGENESIS, PARTIAL OR COMPLETE, MAP3K1-RELATED. Identifiers: MedGen C3151064, MONDO:0013410, OMIM 613762.

gnomAD v4.1: 9 of 1,613,644 alleles (0.00056%); highest among the groups gnomAD compares: Non-Finnish European, 0.00076%; no homozygotes.

Submission:

Labcorp Genetics (formerly Invitae), Labcorp
Classification: Uncertain significance for 46,XY sex reversal 6. Last evaluated: 2025-10-08. Review status: criteria provided, single submitter. Criteria: Invitae Variant Classification Sherloc (09022015). Collection method: clinical testing. Allele origin: germline.
Comment: This sequence change replaces alanine, which is neutral and non-polar, with valine, which is neutral and non-polar, at codon 1443 of the MAP3K1 protein (p.Ala1443Val). This variant is present in population databases (rs565098238, gnomAD 0.002%). This missense change has been observed in individuals with clinical features of MAP3K1-related features (PMID: 27899157). Invitae Evidence Modeling of protein sequence and biophysical properties (such as structural, functional, and spatial information, amino acid conservation, physicochemical variation, residue mobility, and thermodynamic stability) indicates that this missense variant is not expected to disrupt MAP3K1 protein function with a negative predictive value of 80%. In summary, the available evidence is currently insufficient to determine the role of this variant in disease. Therefore, it has been classified as a Variant of Uncertain Significance.

Literature cited by the submitters: PubMed 27899157.

NM_005921.2(MAP3K1):c.4328C>T (p.Ala1443Val)

Gene: MAP3K1 (mitogen-activated protein kinase kinase kinase 1; plus strand). Cytogenetic location: 5q11.2.
Variant type: single nucleotide variant.
Coding change: c.4328C>T on transcript NM_005921.2 (MANE Select); coding-DNA position 4328, C replaced by T.
Protein change: p.Ala1443Val; replaces alanine 1443 with valine.
Molecular consequence: missense variant.
Genome position (GRCh38, 1-based): chr5:56,888,296, C>T. VCF-style: chr5-56888296-C-T. GRCh37 (hg19) VCF-style: chr5-56184123-C-T.
Other names: short protein forms A1443V.
Identifiers: ClinVar variation 4747444 (VCV004747444.1).